The following is an entry in ClinVar:

NM_000079.4(CHRNA1):c.33C>A (p.Ser11Arg)

Gene: CHRNA1 (cholinergic receptor nicotinic alpha 1 subunit; minus strand). Cytogenetic location: 2q31.1.
Variant type: single nucleotide variant.
Coding change: c.33C>A on transcript NM_000079.4 (MANE Select); coding-DNA position 33, C replaced by A.
Protein change: p.Ser11Arg; replaces serine 11 with arginine.
Molecular consequence: missense variant.
Genome position (GRCh38, 1-based): chr2:174,764,362, G>T on the plus strand (C>A on the coding strand, the complement: CHRNA1 is on the minus strand). VCF-style: chr2-174764362-G-T. GRCh37 (hg19) VCF-style: chr2-175629090-G-T.
Other names: c.33C>A, p.Ser11Arg (NM_001039523.3); short protein forms S11R.
Identifiers: ClinVar variation 4690587 (VCV004690587.1).
Genomic context (GRCh38, chr2:174,764,362, plus strand): 5'-CTTTAGCCTCAAAGGAGAGCCCTCTCCCCACCCCTGACCCCAGCACTTACCTGAGCAAAG[G>T]CTAAAGAGCAGGAGGAGAGGCCAGGGCTCCATGGGCTACCGGAGCTTGTGTGGACCAGGG-3'
Protein context (NP_000070.1, residues 1-21): MEPWPLLLLF[Ser11Arg]LCSAGLVLGS

ClinVar aggregate classification (germline): Uncertain significance (1 of 4 stars; one submission).

Conditions:
Lethal multiple pterygium syndrome (LMPS). Identifiers: Orphanet 33108, MedGen C1854678, MONDO:0009668, OMIM 253290.

gnomAD v4.1: 3 of 1,613,450 alleles (0.00019%); highest among the groups gnomAD compares: South Asian, 0.0022%; no homozygotes.

Submission:

Labcorp Genetics (formerly Invitae), Labcorp
Classification: Uncertain significance for Lethal multiple pterygium syndrome. Last evaluated: 2025-02-24. Review status: criteria provided, single submitter. Criteria: Invitae Variant Classification Sherloc (09022015). Collection method: clinical testing. Allele origin: germline.
Comment: This sequence change replaces serine, which is neutral and polar, with arginine, which is basic and polar, at codon 11 of the CHRNA1 protein (p.Ser11Arg). This variant is present in population databases (rs569075903, gnomAD 0.003%). This variant has not been reported in the literature in individuals affected with CHRNA1-related conditions. Invitae Evidence Modeling of protein sequence and biophysical properties (such as structural, functional, and spatial information, amino acid conservation, physicochemical variation, residue mobility, and thermodynamic stability) indicates that this missense variant is not expected to disrupt CHRNA1 protein function with a negative predictive value of 95%. In summary, the available evidence is currently insufficient to determine the role of this variant in disease. Therefore, it has been classified as a Variant of Uncertain Significance.